The following is an entry in ClinVar:

NM_001367823.1(ARHGEF18):c.3311_3331dup (p.Gln1104_Glu1110dup)

Gene: ARHGEF18 (Rho/Rac guanine nucleotide exchange factor 18; plus strand). Cytogenetic location: 19p13.2.
Variant type: Duplication.
Coding change: c.3311_3331dup on transcript NM_001367823.1 (MANE Select); coding-DNA positions 3311 to 3331, 21 bases duplicated (AGGAGCGGGCCGAGCTGGAGC).
Protein change: p.Gln1104_Glu1110dup.
Molecular consequence: inframe insertion.
Genome position (GRCh38, 1-based): chr19:7,467,515-7,467,535, AGGAGCGGGCCGAGCTGGAGC duplicated; duplicating any 21 consecutive bases within chr19:7,467,507-7,467,535 gives the same sequence; the c. name uses the placement nearest the transcript's 3' end. VCF-style (leftmost placement, unchanged base first): chr19-7467506-G-GGCTGGAGCAGGAGCGGGCCGA. GRCh37 (hg19) VCF-style: chr19-7532392-G-GGCTGGAGCAGGAGCGGGCCGA.
Other names: c.2585_2605dup, p.Gln862_Glu868dup (NM_001130955.2); c.2273_2293dup, p.Gln758_Glu764dup (NM_001367824.1, NM_015318.4).
Identifiers: ClinVar variation 1496413 (VCV001496413.8), dbSNP rs1976722154, ClinGen allele CA2320932392.

ClinVar aggregate classification (germline): Uncertain significance (1 of 4 stars; one submission).

Submission:

Labcorp Genetics (formerly Invitae), Labcorp
Classification: Uncertain significance. Last evaluated: 2020-11-04. Review status: criteria provided, single submitter. Criteria: Invitae Variant Classification Sherloc (09022015). Collection method: clinical testing. Allele origin: germline.
Comment: This variant, c.2747_2767dup, results in the insertion of 7 amino acid(s) to the ARHGEF18 protein (p.Gln916_Glu922dup), but otherwise preserves the integrity of the reading frame. The frequency data for this variant in the population databases is considered unreliable, as metrics indicate insufficient coverage at this position in the ExAC database. This variant has not been reported in the literature in individuals with ARHGEF18-related conditions. Experimental studies and prediction algorithms are not available or were not evaluated, and the functional significance of this variant is currently unknown. In summary, the available evidence is currently insufficient to determine the role of this variant in disease. Therefore, it has been classified as a Variant of Uncertain Significance.